The following is an entry in ClinVar:

ClinVar aggregate classification (germline): Benign/Likely benign. Review status: criteria provided, multiple submitters, no conflicts (2 of 4 stars). 5 submissions from 5 submitters: Benign (2); Likely benign (2). 1 of the submissions does not count toward it. Last evaluated 2026-01-15.

Conditions:
Chondrodysplasia punctata, brachytelephalangic, autosomal. Also called: BRACHYTELEPHALANGIC CHONDRODYSPLASIA PUNCTATA. Identifiers: MedGen C1844853, MONDO:0011238, OMIM 602497.
Connective tissue disorder. Also called: Connective tissue disease. Identifiers: MedGen C0009782, MONDO:0003900.
ARSL-related disorder. Also called: ARSL-related condition.

Allele frequency attached by ClinVar (database versions not stated): ESP Exome Variant Server 0.00009; ExAC 0.00010; gnomAD exomes 0.00013 and 0.00015; TOPMed 0.00018; gnomAD 0.00020 and 0.00021.
gnomAD v4.1: 187 of 1,210,304 alleles (0.015%); highest among the groups gnomAD compares: Non-Finnish European, 0.02%; no homozygotes.

Submissions (5):

Labcorp Genetics (formerly Invitae), Labcorp
Classification: Benign for Chondrodysplasia punctata, brachytelephalangic, autosomal. Last evaluated: 2026-01-15. Review status: criteria provided, single submitter. Criteria: Invitae Variant Classification Sherloc (09022015). Collection method: clinical testing. Allele origin: germline.

CeGaT Center for Human Genetics Tuebingen
Classification: Likely benign. Last evaluated: 2022-09-01. Review status: criteria provided, single submitter. Criteria: CeGaT Center For Human Genetics Tuebingen Variant Classification Criteria Version 2. Collection method: clinical testing. Allele origin: germline. Affected: yes. Observed: 1 variant allele.
Comment: ARSL: BP4, BP7

Genome Diagnostics Laboratory, The Hospital for Sick Children
Classification: Likely benign for Connective tissue disorder. Last evaluated: 2022-06-06. Review status: criteria provided, single submitter. Criteria: ACMG Guidelines, 2015. Collection method: clinical testing. Allele origin: germline.

ARUP Laboratories, Molecular Genetics and Genomics, ARUP Laboratories
Classification: Benign. Last evaluated: 2017-07-13. Review status: criteria provided, single submitter. Criteria: ARUP Molecular Germline Variant Investigation Process. Collection method: clinical testing. Allele origin: germline.

PreventionGenetics, part of Exact Sciences
Classification: Likely benign for ARSL-related condition. Last evaluated: 2019-09-11. Review status: no assertion criteria provided. Collection method: clinical testing. Allele origin: germline. Not counted in ClinVar's aggregate classification.
Comment: This variant is classified as likely benign based on ACMG/AMP sequence variant interpretation guidelines (Richards et al. 2015 PMID: 25741868, with internal and published modifications).

NM_000047.3(ARSL):c.102C>T (p.Ser34=)

Gene: ARSL (arylsulfatase L; minus strand). Cytogenetic location: Xp22.33.
Variant type: single nucleotide variant.
Coding change: c.102C>T on transcript NM_000047.3 (MANE Select); coding-DNA position 102, C replaced by T.
Protein change: p.Ser34=; no amino-acid change (serine 34 retained).
Molecular consequence: synonymous variant. On other transcripts: intron variant (1).
Genome position (GRCh38, 1-based): chrX:2,958,357, G>A on the plus strand (C>T on the coding strand, the complement: ARSL is on the minus strand). VCF-style: chrX-2958357-G-A. GRCh37 (hg19) VCF-style: chrX-2876398-G-A.
Other names: c.177C>T, p.Ser59= (NM_001282628.2, NM_001369080.1); c.129C>T, p.Ser43= (NM_001369079.1); c.23+2021C>T (NM_001282631.2).
Identifiers: ClinVar variation 618538 (VCV000618538.47), dbSNP rs151070930, ClinGen allele CA10338257.
Genomic context (GRCh38, chrX:2,958,357, plus strand): 5'-GCCAATGTCCCCAATGCCAAGGTCGTCCGCCATCAGAAGAAGGATGTTCGGTCGGGAGGC[G>A]GAAATGTCGCTGGAAGCTGATGGTGCCAAACTTAGCAGTACAGCGAGCATCGCTGGCAGC-3'
Protein context (NP_000038.2, residues 24-44): SLAPSASSDI[Ser34=]ASRPNILLLM